The following is an entry in ClinVar:

NM_017671.5(FERMT1):c.-185A>G

Genes: FERMT1 (FERM domain containing kindlin 1; minus strand), LOC130065404 (ATAC-STARR-seq lymphoblastoid silent region 12663; plus strand). Cytogenetic location: 20p12.3.
Variant type: single nucleotide variant.
Coding change: c.-185A>G on transcript NM_017671.5 (MANE Select); 185 bases upstream of the start codon, A replaced by G.
Molecular consequence: 5 prime UTR variant.
Genome position (GRCh38, 1-based): chr20:6,122,940, T>C on the plus strand (A>G on the coding strand, the complement: FERMT1 is on the minus strand). VCF-style: chr20-6122940-T-C. GRCh37 (hg19) VCF-style: chr20-6103587-T-C.
Identifiers: ClinVar variation 339243 (VCV000339243.8), dbSNP rs2281532, ClinGen allele CA10652759.
Genomic context (GRCh38, chr20:6,122,940, plus strand): 5'-GGGGAGCGGGGGGCGCCCAGTGGCGGCGGCTGCTCAGCTAAGGCTGCGGCAGGTGAGGGC[T>C]GGAGCCAGGGCGAGCAGGCGAAGCTGCCTCGGGACCTCCCACGGAGGCTCGGTGCCTGCC-3'

ClinVar aggregate classification (germline): Benign. Review status: criteria provided, multiple submitters, no conflicts (2 of 4 stars). 3 submissions from 3 submitters: Benign (3). Last evaluated 2018-11-11.

Conditions:
Kindler syndrome (KNDLRS). Also called: BULLOUS ACROKERATOTIC POIKILODERMA OF KINDLER AND WEARY; POIKILODERMA, CONGENITAL, WITH BULLAE, WEARY TYPE; POIKILODERMA, HEREDITARY ACROKERATOTIC; Hereditary acrokeratotic poikiloderma of Weary; Poikiloderma of Kindler; Congenital bullous poikiloderma. Identifiers: Orphanet 2908, Orphanet 306539, MedGen C0406557, MONDO:0008260, OMIM 173650.

Allele frequency attached by ClinVar (database versions not stated): gnomAD exomes 0.12963; TOPMed 0.16426; gnomAD 0.16653 and 0.17234; 1000 Genomes Project 30x 0.20253; 1000 Genomes Project 0.21346.
gnomAD v4.1: 26,371 of 152,406 alleles (17%); highest among the groups gnomAD compares: East Asian, 30%; 2,524 homozygotes.

Submissions (3):

GeneDx
Classification: Benign. Last evaluated: 2018-11-11. Review status: criteria provided, single submitter. Criteria: GeneDx Variant Classification Process June 2021. Collection method: clinical testing. Allele origin: germline. Affected: yes.

Illumina Laboratory Services, Illumina
Classification: Benign for Kindler syndrome. Last evaluated: 2018-01-13. Review status: criteria provided, single submitter. Criteria: ICSL Variant Classification Criteria 13 December 2019. Collection method: clinical testing. Allele origin: germline.
Comment: This variant was observed in the ICSL laboratory as part of a predisposition screen in an ostensibly healthy population. It had not been previously curated by ICSL or reported in the Human Gene Mutation Database (HGMD: prior to June 1st, 2018), and was therefore a candidate for classification through an automated scoring system. Utilizing variant allele frequency, disease prevalence and penetrance estimates, and inheritance mode, an automated score was calculated to assess if this variant is too frequent to cause the disease. Based on the score and internal cut-off values, a variant classified as benign is not then subjected to further curation. The score for this variant resulted in a classification of benign for this disease.

Breakthrough Genomics
Classification: Benign. Review status: criteria provided, single submitter. Criteria: ACMG Guidelines, 2015. Collection method: not provided. Allele origin: germline. Inheritance: Autosomal recessive inheritance. Affected: yes.